The following is an entry in ClinVar:

NM_000152.5(GAA):c.3G>A (p.Met1Ile)

Gene: GAA (alpha glucosidase; plus strand). Cytogenetic location: 17q25.3.
Variant type: single nucleotide variant.
Coding change: c.3G>A on transcript NM_000152.5 (MANE Select); coding-DNA position 3, G replaced by A.
Protein change: p.Met1Ile; changes the start codon (methionine 1).
Molecular consequence: missense variant, initiator codon variant.
Genome position (GRCh38, 1-based): chr17:80,104,589, G>A. VCF-style: chr17-80104589-G-A. GRCh37 (hg19) VCF-style: chr17-78078388-G-A.
Other names: c.3G>A, p.Met1Ile (NM_001079803.3, NM_001079804.3); short protein forms M1I.
Identifiers: ClinVar variation 972816 (VCV000972816.8), dbSNP rs1187796945, ClinGen allele CA401359809.

ClinVar aggregate classification (germline): Pathogenic/Likely pathogenic. Review status: criteria provided, multiple submitters, no conflicts (2 of 4 stars). 4 submissions from 4 submitters: Pathogenic (1); Likely pathogenic (3). Last evaluated 2026-07-01.

Conditions:
Glycogen storage disease, type II (IOPD). Also called: CARDIOMEGALIA GLYCOGENICA DIFFUSA; Glycogen storage disease type 2; Acid maltase deficiency disease; Aglucosidase alfa; Deficiency of alpha-glucosidase; Deficiency of lysosomal alpha-glucosidase. Identifiers: Orphanet 365, MedGen C0017921, MONDO:0009290, OMIM 232300.

Allele frequency attached by ClinVar (database versions not stated): gnomAD exomes below 0.00001.

Submissions (4):

Genomenon, Inc
Classification: Likely pathogenic for Glycogen storage disease, type II. Last evaluated: 2026-07-01. Review status: criteria provided, single submitter. Criteria: Genomenon Sequence Variant Interpretation Standards - Updated. Collection method: curation. Allele origin: germline. Affected: yes.
Comment: GAA p.Met1? (c.3G>A) is a variant that disrupts the initiation codon leading to an altered or absent protein product. This variant has been observed in at least one proband with a GAA-related disorder in the compound heterozygous and/or homozygous state (PMID:31899940;22981821). It is absent or not present at a significant frequency in gnomAD. In conclusion, we classify GAA p.Met1? (c.3G>A) as a likely pathogenic variant.

Labcorp Genetics (formerly Invitae), Labcorp
Classification: Pathogenic for Glycogen storage disease, type II. Last evaluated: 2024-12-27. Review status: criteria provided, single submitter. Criteria: Invitae Variant Classification Sherloc (09022015). Collection method: clinical testing. Allele origin: germline.
Comment: This sequence change affects the initiator methionine of the GAA mRNA. The next in-frame methionine is located at codon 122. This variant is present in population databases (no rsID available, gnomAD 0.0009%). Disruption of the initiator codon has been observed in individual(s) with Pompe disease (PMID: 22252923, 29124014, 29422078, 31086307). ClinVar contains an entry for this variant (Variation ID: 972816). Algorithms developed to predict the effect of variants on gene product structure and function are not available or were not evaluated for this variant. Experimental studies have shown that disruption of the initiator codon affects GAA function (PMID: 22644586, 31301153). For these reasons, this variant has been classified as Pathogenic.

Women's Health and Genetics/Laboratory Corporation of America, LabCorp
Classification: Likely pathogenic for Glycogen storage disease, type II. Last evaluated: 2021-06-12. Review status: criteria provided, single submitter. Criteria: LabCorp Variant Classification Summary - May 2015. Collection method: clinical testing. Allele origin: germline.
Comment: Variant summary: GAA c.3G>A (p.Met1Ile) alters the initiation codon and is predicted to result either in absence of the protein or truncation of the encoded protein due to translation initiation at a downstream codon. The next downstream putative in-frame start codon (Methionine) is located at p.Met122 in exon 2 of the GAA gene. The predicted truncated protein loses part of N-terminus of the encoded protein. Loss-of-function variants upstream of p.Met122 have been reported to be associated with Glycogen Storage Disease, Type 2 (example, p.R40*, p.Q115*, HGMD database). The variant allele was found at a frequency of 4e-06 in 247470 control chromosomes. c.3G>A has been reported in the literature in individuals affected with Glycogen Storage Disease, Type 2 (Pompe Disease) and has been subsequently cited by other studies due to authorship/institutional/patient overlap between studies (example, Kroos_2008, Yves Carlier_2011, Bali_2012, Desai_2019, Kishnani_2019, ElMallah_2020). Two additional likely pathogenic variants, resulting in a different amino acid change at the same position, c.1A>G and c.1A>T, have been reported in association with disease in the literature and the HGMD database. These data indicate that the variant is likely to be associated with disease. To our knowledge, no experimental evidence demonstrating an impact on protein function has been reported. One clinical diagnostic laboratory has submitted clinical-significance assessments for this variant to ClinVar after 2014 and classified the variant as likely pathogenic. Based on the evidence outlined above, the variant was classified as likely pathogenic.

Broad Center for Mendelian Genomics, Broad Institute of MIT and Harvard
Classification: Likely pathogenic for Glycogen storage disease, type II. Last evaluated: 2020-01-29. Review status: criteria provided, single submitter. Criteria: ACMG Guidelines, 2015. Collection method: curation. Allele origin: germline. Inheritance: Autosomal recessive inheritance.
Comment: The c.3G>A (p.Met1?) variant in GAA has been reported in at least three individuals with glycogen storage disease (PMID: 21803581, 18425781, 22252923, 22981821), and has been identified in 0.001% (1/111790) of European (non-Finnish) chromosomes by the Genome Aggregation Database (gnomAD; dbSNP rs1187796945). Although this variant has been seen in the general population, its frequency is low enough to be consistent with a recessive carrier frequency. This variant is located in the first amino acid of exon two and obliterates the methionine initiation codon. The next in-frame methionine is at amino acid residue 122 and there are at least seven reported pathogenic or likely pathogenic variants in ClinVar between amino acid 1 and amino acid 122. Proteins lacking this region are predicted to be extremely unstable (PMID: 22252923, 30192042, 22644586), suggesting that the c.3G>A variant may result in a truncated or absent protein. Loss of function of the GAA gene is an established disease mechanism in autosomal recessive glycogen storage disease. In vitro functional studies provide some evidence that the p.Met1? variant may impact protein function (PMID: 18425781). However, these types of assays may not accurately represent biological function. Two additional likely pathogenic variants, resulting in a different amino acid change at the same position, c.1A>G and c.1A>T, have been reported in association with disease in the literature and ClinVar (PMID: 22252923, 30192042, 29889338, 28316933, 22644586; Variation ID: 188785). This variant was reported in combination with known pathogenic variants (VariationID: 4027, PMID: 22981821, 21803581, 22252923) and in individuals with glycogen storage disease. In summary, although additional studies are required to fully establish its clinical significance, this variant is likely pathogenic. ACMG/AMP Criteria applied: PM2, PVS1_Strong (Richards 2015).

Literature cited by the submitters: PubMed 31899940 (cited by Genomenon, Inc and Women's Health and Genetics/Laboratory Corporation of America, LabCorp); PubMed 22981821 (cited by Genomenon, Inc); PubMed 22252923 (cited by Labcorp Genetics (formerly Invitae), Labcorp and Women's Health and Genetics/Laboratory Corporation of America, LabCorp); PubMed 29124014 (cited by Labcorp Genetics (formerly Invitae), Labcorp); PubMed 29422078 (cited by Labcorp Genetics (formerly Invitae), Labcorp); PubMed 31086307 (cited by Labcorp Genetics (formerly Invitae), Labcorp and Women's Health and Genetics/Laboratory Corporation of America, LabCorp); PubMed 22644586 (cited by Labcorp Genetics (formerly Invitae), Labcorp); PubMed 31301153 (cited by Labcorp Genetics (formerly Invitae), Labcorp); PubMed 18425781 (cited by Women's Health and Genetics/Laboratory Corporation of America, LabCorp); PubMed 21803581 (cited by Women's Health and Genetics/Laboratory Corporation of America, LabCorp); PubMed 31193175 (cited by Women's Health and Genetics/Laboratory Corporation of America, LabCorp); PubMed 30155607 (cited by Women's Health and Genetics/Laboratory Corporation of America, LabCorp).